The following is an entry in ClinVar:

NM_139137.4(KCNC2):c.833C>T (p.Thr278Met)

Gene: KCNC2 (potassium voltage-gated channel subfamily C member 2; minus strand). Cytogenetic location: 12q21.1.
Variant type: single nucleotide variant.
Coding change: c.833C>T on transcript NM_139137.4 (MANE Select); coding-DNA position 833, C replaced by T.
Protein change: p.Thr278Met; replaces threonine 278 with methionine.
Molecular consequence: missense variant. On other transcripts: non-coding transcript variant (2).
Genome position (GRCh38, 1-based): chr12:75,051,172, G>A on the plus strand (C>T on the coding strand, the complement: KCNC2 is on the minus strand). VCF-style: chr12-75051172-G-A. GRCh37 (hg19) VCF-style: chr12-75444952-G-A.
Other names: c.833C>T, p.Thr278Met (NM_001260497.2, NM_001260498.2, NM_001260499.2 and 13 more transcripts); short protein forms T278M.
Identifiers: ClinVar variation 3287519 (VCV003287519.1).
Genomic context (GRCh38, chr12:75,051,172, plus strand): 5'-AAAAATTCAAAAGTAAACCACACCACACACACTCCTTCTACATACGTCAAGGCAGGATCC[G>A]TTTCAATTTCATACTGTAGAACAACACTTGTGCCATTGATGACTGGTTCTGTCTTGTTTT-3'
Protein context (NP_631875.1, residues 268-288): TSVVLQYEIE[Thr278Met]DPALTYVEGV

ClinVar aggregate classification (germline): Uncertain significance (1 of 4 stars; one submission).

Conditions:
Inborn genetic diseases. Identifiers: MedGen C0950123, MeSH D030342.

gnomAD v4.1: 5 of 1,613,552 alleles (0.00031%); highest among the groups gnomAD compares: South Asian, 0.0022%; no homozygotes.

Submission:

Ambry Genetics
Classification: Uncertain significance for Inborn genetic diseases. Last evaluated: 2024-04-19. Review status: criteria provided, single submitter. Criteria: Ambry Variant Classification Scheme 2023. Collection method: clinical testing. Allele origin: germline.
Comment: The c.833C>T (p.T278M) alteration is located in exon 3 (coding exon 2) of the KCNC2 gene. This alteration results from a C to T substitution at nucleotide position 833, causing the threonine (T) at amino acid position 278 to be replaced by a methionine (M). Based on data from gnomAD, the T allele has an overall frequency of 0.002% (4/250888) total alleles studied. The highest observed frequency was 0.006% (1/16252) of African alleles. This amino acid position is highly conserved in available vertebrate species. This alteration is predicted to be deleterious by in silico analysis. Based on insufficient or conflicting evidence, the clinical significance of this alteration remains unclear.